The following is an entry in ClinVar:

ClinVar aggregate classification (germline): Uncertain significance (1 of 4 stars; one submission).

Submission:

Ambry Genetics
Classification: Uncertain significance. Last evaluated: 2025-11-25. Review status: criteria provided, single submitter. Criteria: Ambry Variant Classification Scheme 2023. Collection method: clinical testing. Allele origin: germline.
Comment: The p.T115N variant (also known as c.344C>A), located in coding exon 4 of the RPS20 gene, results from a C to A substitution at nucleotide position 344. The threonine at codon 115 is replaced by asparagine, an amino acid with similar properties. This amino acid position is highly conserved in available vertebrate species. In addition, the in silico prediction for this alteration is inconclusive. Based on the available evidence, the clinical significance of this variant remains unclear.

NM_001023.4(RPS20):c.344C>A (p.Thr115Asn)

Gene: RPS20 (ribosomal protein S20; minus strand). Cytogenetic location: 8q12.1.
Variant type: single nucleotide variant.
Coding change: c.344C>A on transcript NM_001023.4 (MANE Select); coding-DNA position 344, C replaced by A.
Protein change: p.Thr115Asn; replaces threonine 115 with asparagine.
Molecular consequence: missense variant. On other transcripts: intron variant (1).
Genome position (GRCh38, 1-based): chr8:56,073,106, G>T on the plus strand (C>A on the coding strand, the complement: RPS20 is on the minus strand). VCF-style: chr8-56073106-G-T. GRCh37 (hg19) VCF-style: chr8-56985665-G-T.
Other names: c.333+11C>A (NM_001146227.3); short protein forms T115N.
Identifiers: ClinVar variation 4579494 (VCV004579494.1).